The following is an entry in ClinVar:

NM_015046.7(SETX):c.7770C>A (p.Pro2590=)

Gene: SETX (senataxin; minus strand). Cytogenetic location: 9q34.13.
Variant type: single nucleotide variant.
Coding change: c.7770C>A on transcript NM_015046.7 (MANE Select); coding-DNA position 7770, C replaced by A.
Protein change: p.Pro2590=; no amino-acid change (proline 2590 retained).
Molecular consequence: synonymous variant.
Genome position (GRCh38, 1-based): chr9:132,264,503, G>T on the plus strand (C>A on the coding strand, the complement: SETX is on the minus strand). VCF-style: chr9-132264503-G-T. GRCh37 (hg19) VCF-style: chr9-135139890-G-T.
Other names: c.7857C>A, p.Pro2619= (NM_001351528.2); c.7770C>A, p.Pro2590= (NM_001351527.2).
Identifiers: ClinVar variation 2659646 (VCV002659646.24), dbSNP rs532828022, ClinGen allele CA467504482.
Genomic context (GRCh38, chr9:132,264,503, plus strand): 5'-AGCTGGAGGTTCGCCCCGCACGGGAGGTTTGTGGCTGCTCAGAGCAGCCACTACAGCAGC[G>T]GGCTGCTGTATATGGCTCAGGTCCTGGTGAACGACAGGGAAGCCCGGCTCGCCCGTAGGA-3'
Protein context (NP_055861.3, residues 2580-2600): VHQDLSHIQQ[Pro2590=]AAVVAALSSH

ClinVar aggregate classification (germline): Likely benign (1 of 4 stars; one submission).

Submission:

CeGaT Center for Human Genetics Tuebingen
Classification: Likely benign. Last evaluated: 2023-04-01. Review status: criteria provided, single submitter. Criteria: CeGaT Center For Human Genetics Tuebingen Variant Classification Criteria Version 2. Collection method: clinical testing. Allele origin: germline. Affected: yes. Observed: 1 variant allele.
Comment: SETX: PM2:Supporting, BP4, BP7